The following is an entry in ClinVar:

NM_001127511.3(APC):c.-141C>G

Gene: APC (APC regulator of Wnt signaling pathway; plus strand). Cytogenetic location: 5q22.2.
Variant type: single nucleotide variant.
Coding change: c.-141C>G on transcript NM_001127511.3; 141 bases upstream of the start codon, C replaced by G.
Molecular consequence: 5 prime UTR variant. On other transcripts: non-coding transcript variant (2).
Genome position (GRCh38, 1-based): chr5:112,707,577, C>G. VCF-style: chr5-112707577-C-G. GRCh37 (hg19) VCF-style: chr5-112043274-C-G.
Other names: c.-324C>G (NM_001354895.2, NM_001407447.1, NM_001407452.1 and 3 more transcripts); c.-141C>G (NM_001354897.2, NM_001354902.2, NM_001407446.1); c.-91C>G (NM_001407448.1, NM_001407450.1, NM_001407457.1 and 1 more transcripts); c.-115C>G (NM_001407453.1); c.-1359C>G (NM_001407470.1, NM_001407472.1).
Identifiers: ClinVar variation 1039282 (VCV001039282.7), dbSNP rs1750579738, ClinGen allele CA1573442473.

ClinVar aggregate classification (germline): Uncertain significance (1 of 4 stars; one submission).

Conditions:
Familial adenomatous polyposis 1 (FAP1). Also called: FAMILIAL ADENOMATOUS POLYPOSIS 1, ATTENUATED; POLYPOSIS, ADENOMATOUS INTESTINAL. Identifiers: MedGen C2713442, MONDO:0021056, OMIM 175100. Disease mechanism: loss of function.

gnomAD v4.1: 1 of 879,154 alleles (0.00011%); highest among the groups gnomAD compares: Non-Finnish European, 0.00016%; no homozygotes.

Submission:

Labcorp Genetics (formerly Invitae), Labcorp
Classification: Uncertain significance for Familial adenomatous polyposis 1. Last evaluated: 2022-06-26. Review status: criteria provided, single submitter. Criteria: Invitae Variant Classification Sherloc (09022015). Collection method: clinical testing. Allele origin: germline.
Comment: In summary, the available evidence is currently insufficient to determine the role of this variant in disease. Therefore, it has been classified as a Variant of Uncertain Significance. Experimental studies and prediction algorithms are not available or were not evaluated, and the functional significance of this variant is currently unknown. This variant has not been reported in the literature in individuals affected with APC-related conditions. This variant is not present in population databases (gnomAD no frequency). This variant occurs in a non-coding region of the APC gene. It does not change the encoded amino acid sequence of the APC protein.